The following is an entry in ClinVar:

ClinVar aggregate classification (germline): Benign/Likely benign. Review status: criteria provided, multiple submitters, no conflicts (2 of 4 stars). 5 submissions from 5 submitters: Benign (3); Likely benign (2). Last evaluated 2026-01-28.

Conditions:
Age related macular degeneration 1 (ARMD1). Also called: MACULOPATHY, AGE-RELATED, 1. Identifiers: MedGen C1864205, MONDO:0011285, OMIM 603075.

Allele frequency attached by ClinVar (database versions not stated): gnomAD exomes 0.00278 and 0.00675; ExAC 0.00774; gnomAD 0.01053 and 0.01087; ESP Exome Variant Server 0.01146; TOPMed 0.01156; 1000 Genomes Project 0.01877; 1000 Genomes Project 30x 0.01921.
gnomAD v4.1: 5,859 of 1,613,208 alleles (0.36%); highest among the groups gnomAD compares: African/African-American, 3.2%; 115 homozygotes.

Submissions (5):

Labcorp Genetics (formerly Invitae), Labcorp
Classification: Benign. Last evaluated: 2026-01-28. Review status: criteria provided, single submitter. Criteria: Invitae Variant Classification Sherloc (09022015). Collection method: clinical testing. Allele origin: germline.

Genome-Nilou Lab
Classification: Likely benign for Age related macular degeneration 1. Last evaluated: 2023-04-11. Review status: criteria provided, single submitter. Criteria: ACMG Guidelines, 2015. Collection method: clinical testing. Allele origin: germline. Affected: no.

Fulgent Genetics
Classification: Likely benign for Age related macular degeneration 1. Last evaluated: 2022-05-20. Review status: criteria provided, single submitter. Criteria: ACMG Guidelines, 2015. Collection method: clinical testing. Allele origin: unknown.

Illumina Laboratory Services, Illumina
Classification: Benign for Age related macular degeneration 1. Last evaluated: 2018-01-13. Review status: criteria provided, single submitter. Criteria: ICSL Variant Classification Criteria 13 December 2019. Collection method: clinical testing. Allele origin: germline.
Comment: This variant was observed in the ICSL laboratory as part of a predisposition screen in an ostensibly healthy population. It had not been previously curated by ICSL or reported in the Human Gene Mutation Database (HGMD: prior to June 1st, 2018), and was therefore a candidate for classification through an automated scoring system. Utilizing variant allele frequency, disease prevalence and penetrance estimates, and inheritance mode, an automated score was calculated to assess if this variant is too frequent to cause the disease. Based on the score and internal cut-off values, a variant classified as benign is not then subjected to further curation. The score for this variant resulted in a classification of benign for this disease.

Breakthrough Genomics
Classification: Benign. Review status: criteria provided, single submitter. Criteria: ACMG Guidelines, 2015. Collection method: not provided. Allele origin: germline. Inheritance: Autosomal dominant inheritance. Affected: yes.

NM_031935.3(HMCN1):c.12941T>C (p.Val4314Ala)

Gene: HMCN1 (hemicentin 1; plus strand). Cytogenetic location: 1q31.1.
Variant type: single nucleotide variant.
Coding change: c.12941T>C on transcript NM_031935.3 (MANE Select); coding-DNA position 12941, T replaced by C.
Protein change: p.Val4314Ala; replaces valine 4314 with alanine.
Molecular consequence: missense variant.
Genome position (GRCh38, 1-based): chr1:186,130,002, T>C. VCF-style: chr1-186130002-T-C. GRCh37 (hg19) VCF-style: chr1-186099134-T-C.
Other names: short protein forms V4314A.
Identifiers: ClinVar variation 294255 (VCV000294255.17), dbSNP rs79183244, ClinGen allele CA1294505.